The following is an entry in ClinVar:

ClinVar aggregate classification (germline): Uncertain significance (1 of 4 stars; one submission).

Conditions:
FGFR3-related chondrodysplasia. Identifiers: Orphanet 93420, MedGen C5681604, MONDO:0019685.

Submission:

Genomenon, Inc
Classification: Uncertain significance for FGFR3-related chondrodysplasia. Last evaluated: 2026-06-23. Review status: criteria provided, single submitter. Criteria: Genomenon Sequence Variant Interpretation Standards - Updated. Collection method: curation. Allele origin: germline. Affected: no.
Comment: FGFR3 p.Val277Ala (c.830T>C) is a missense variant that changes the amino acid at codon 277 from Valine to Alanine. This variant has been reported in the published literature (PMID:33779341). It is absent or not present at a significant frequency in gnomAD. In silico models predict that this variant is possibly or probably damaging. In conclusion, we classify FGFR3 p.Val277Ala (c.830T>C) as a variant of uncertain significance.

Literature cited by the submitters: PubMed 33779341.

NM_000142.5(FGFR3):c.830T>C (p.Val277Ala)

Gene: FGFR3 (fibroblast growth factor receptor 3; plus strand). Cytogenetic location: 4p16.3.
Variant type: single nucleotide variant.
Coding change: c.830T>C on transcript NM_000142.5 (MANE Select); coding-DNA position 830, T replaced by C.
Protein change: p.Val277Ala; replaces valine 277 with alanine.
Molecular consequence: missense variant. On other transcripts: non-coding transcript variant (1).
Genome position (GRCh38, 1-based): chr4:1,801,925, T>C. VCF-style: chr4-1801925-T-C. GRCh37 (hg19) VCF-style: chr4-1803652-T-C.
Other names: c.830T>C, p.Val277Ala (NM_001163213.2, NM_001354809.2, NM_001354810.2 and 1 more transcripts); short protein forms V277A.
Identifiers: ClinVar variation 4857832 (VCV004857832.1).
Genomic context (GRCh38, chr4:1,801,925, plus strand): 5'-CGGGGCTGCCGGCCAACCAGACGGCGGTGCTGGGCAGCGACGTGGAGTTCCACTGCAAGG[T>C]GTACAGTGACGCACAGCCCCACATCCAGTGGCTCAAGCACGTGGAGGTGAATGGCAGCAA-3'
Protein context (NP_000133.1, residues 267-287): LGSDVEFHCK[Val277Ala]YSDAQPHIQW